The following is an entry in ClinVar:

NM_017514.5(PLXNA3):c.191G>A (p.Arg64Gln)

Gene: PLXNA3 (plexin A3; plus strand). Cytogenetic location: Xq28.
Variant type: single nucleotide variant.
Coding change: c.191G>A on transcript NM_017514.5 (MANE Select); coding-DNA position 191, G replaced by A.
Protein change: p.Arg64Gln; replaces arginine 64 with glutamine.
Molecular consequence: missense variant.
Genome position (GRCh38, 1-based): chrX:154,460,374, G>A. VCF-style: chrX-154460374-G-A. GRCh37 (hg19) VCF-style: chrX-153688714-G-A.
Other names: short protein forms R64Q.
Identifiers: ClinVar variation 4981371 (VCV004981371.1).
Genomic context (GRCh38, chrX:154,460,374, plus strand): 5'-AGGTGTTCGTGGGCGCAGTGAACCGAGTCTTTAAGCTGGCCCCCAACCTGACTGAGCTGC[G>A]GGCCCATGTCACGGGGCCCGTCGAGGACAACGCTCGCTGCTACCCGCCCCCCAGCATGCG-3'
Protein context (NP_059984.3, residues 54-74): FKLAPNLTEL[Arg64Gln]AHVTGPVEDN

ClinVar aggregate classification (germline): Uncertain significance (1 of 4 stars; one submission).

Conditions:
PLXNA3-related disorder. Also called: PLXNA3-related condition.

gnomAD v4.1: 10 of 1,208,636 alleles (0.00083%); highest among the groups gnomAD compares: African/African-American, 0.0087%; no homozygotes.

Submission:

PreventionGenetics, part of Exact Sciences
Classification: Uncertain significance for PLXNA3-related condition. Last evaluated: 2025-04-22. Review status: criteria provided, single submitter. Criteria: ACMG Guidelines, 2015. Collection method: clinical testing. Allele origin: germline.
Comment: The PLXNA3 c.191G>A variant is predicted to result in the amino acid substitution p.Arg64Gln. To our knowledge, this variant has not been reported in the literature. This variant is reported in 0.011% of alleles in individuals of African descent in gnomAD. At this time, the clinical significance of this variant is uncertain due to the absence of conclusive functional and genetic evidence.